The following is an entry in ClinVar:

ClinVar aggregate classification (germline): Uncertain significance (1 of 4 stars; one submission).

Conditions:
Bethlem myopathy 1A. Also called: MYOPATHY, BENIGN CONGENITAL, WITH CONTRACTURES; Bethlem myopathy 1; Bethlem Muscular Dystrophy. Identifiers: Orphanet 610, MedGen CN029274, MONDO:0024530, OMIM 158810.

gnomAD v4.1: 16 of 1,611,016 alleles (0.00099%); highest among the groups gnomAD compares: South Asian, 0.0022%; no homozygotes.

Submission:

Labcorp Genetics (formerly Invitae), Labcorp
Classification: Uncertain significance for Bethlem myopathy 1A. Last evaluated: 2025-05-14. Review status: criteria provided, single submitter. Criteria: Invitae Variant Classification Sherloc (09022015). Collection method: clinical testing. Allele origin: germline.
Comment: This sequence change falls in intron 33 of the COL6A1 gene. It does not directly change the encoded amino acid sequence of the COL6A1 protein. It affects a nucleotide within the consensus splice site. The frequency data for this variant in the population databases is considered unreliable, as metrics indicate poor data quality at this position in the gnomAD database. This variant has not been reported in the literature in individuals affected with COL6A1-related conditions. Variants that disrupt the consensus splice site are a relatively common cause of aberrant splicing (PMID: 17576681, 9536098). Algorithms developed to predict the effect of sequence changes on RNA splicing suggest that this variant may disrupt the consensus splice site. In summary, the available evidence is currently insufficient to determine the role of this variant in disease. Therefore, it has been classified as a Variant of Uncertain Significance.

Literature cited by the submitters: PubMed 17576681; PubMed 9536098.

NM_001848.3(COL6A1):c.2434+5G>A

Gene: COL6A1 (collagen type VI alpha 1 chain; plus strand). Cytogenetic location: 21q22.3.
Variant type: single nucleotide variant.
Coding change: c.2434+5G>A on transcript NM_001848.3 (MANE Select); 5 bases into the intron after coding-DNA position 2434, G replaced by A.
Molecular consequence: intron variant.
Genome position (GRCh38, 1-based): chr21:46,002,715, G>A. VCF-style: chr21-46002715-G-A. GRCh37 (hg19) VCF-style: chr21-47422629-G-A.
Identifiers: ClinVar variation 4811863 (VCV004811863.1).